The following is an entry in ClinVar:

ClinVar aggregate classification (germline): Uncertain significance (1 of 4 stars; one submission).

Conditions:
Congenital contractural arachnodactyly (CCA). Also called: BEALS SYNDROME; Arthrogryposis, distal, type 9; Beals-Hecht syndrome. Identifiers: Orphanet 115, MedGen C0220668, MONDO:0007363, OMIM 121050.

gnomAD v4.1: 9 of 1,613,874 alleles (0.00056%); highest among the groups gnomAD compares: Non-Finnish European, 0.00076%; no homozygotes.

Submission:

Labcorp Genetics (formerly Invitae), Labcorp
Classification: Uncertain significance for Congenital contractural arachnodactyly. Last evaluated: 2025-05-12. Review status: criteria provided, single submitter. Criteria: Invitae Variant Classification Sherloc (09022015). Collection method: clinical testing. Allele origin: germline.
Comment: This sequence change replaces valine, which is neutral and non-polar, with alanine, which is neutral and non-polar, at codon 2734 of the FBN2 protein (p.Val2734Ala). This variant is not present in population databases (gnomAD no frequency). This variant has not been reported in the literature in individuals affected with FBN2-related conditions. Invitae Evidence Modeling of protein sequence and biophysical properties (such as structural, functional, and spatial information, amino acid conservation, physicochemical variation, residue mobility, and thermodynamic stability) indicates that this missense variant is not expected to disrupt FBN2 protein function with a negative predictive value of 80%. In summary, the available evidence is currently insufficient to determine the role of this variant in disease. Therefore, it has been classified as a Variant of Uncertain Significance.

NM_001999.4(FBN2):c.8201T>C (p.Val2734Ala)

Gene: FBN2 (fibrillin 2; minus strand). Cytogenetic location: 5q23.3.
Variant type: single nucleotide variant.
Coding change: c.8201T>C on transcript NM_001999.4 (MANE Select); coding-DNA position 8201, T replaced by C.
Protein change: p.Val2734Ala; replaces valine 2734 with alanine.
Molecular consequence: missense variant.
Genome position (GRCh38, 1-based): chr5:128,261,899, A>G on the plus strand (T>C on the coding strand, the complement: FBN2 is on the minus strand). VCF-style: chr5-128261899-A-G. GRCh37 (hg19) VCF-style: chr5-127597591-A-G.
Other names: short protein forms V2734A.
Identifiers: ClinVar variation 4747802 (VCV004747802.1).
Genomic context (GRCh38, chr5:128,261,899, plus strand): 5'-TCCTCATCGACCTCTGTATCCAGTGACAGGTACTGCCCCTTGTTAAATCCCATTCCTGAG[A>G]CACAGTGGCTATTTGCAAAAAGCAAAGTATTGTTAGACTTTATCACTGACTTGACCATAG-3'
Protein context (NP_001990.2, residues 2724-2744): GYYRVGQGHC[Val2734Ala]SGMGFNKGQY